The following is an entry in ClinVar:

NM_015058.2(VWA8):c.631C>T (p.Arg211Cys)

Gene: VWA8 (von Willebrand factor A domain containing 8; minus strand). Cytogenetic location: 13q14.11.
Variant type: single nucleotide variant.
Coding change: c.631C>T on transcript NM_015058.2 (MANE Select); coding-DNA position 631, C replaced by T.
Protein change: p.Arg211Cys; replaces arginine 211 with cysteine.
Molecular consequence: missense variant.
Genome position (GRCh38, 1-based): chr13:41,891,440, G>A on the plus strand (C>T on the coding strand, the complement: VWA8 is on the minus strand). VCF-style: chr13-41891440-G-A. GRCh37 (hg19) VCF-style: chr13-42465576-G-A.
Other names: c.631C>T, p.Arg211Cys (NM_001009814.2); short protein forms R211C.
Identifiers: ClinVar variation 3388233 (VCV003388233.14).

ClinVar aggregate classification (germline): Likely benign (1 of 4 stars; one submission).

Submission:

CeGaT Center for Human Genetics Tuebingen
Classification: Likely benign. Last evaluated: 2025-02-01. Review status: criteria provided, single submitter. Criteria: CeGaT Center For Human Genetics Tuebingen Variant Classification Criteria Version 2. Collection method: clinical testing. Allele origin: germline. Affected: yes. Observed: 2 variant alleles.
Comment: VWA8: BP4, BS2